The following is an entry in ClinVar:

NM_006887.5(ZFP36L2):c.186T>G (p.His62Gln)

Gene: ZFP36L2 (ZFP36 ring finger protein like 2; minus strand). Cytogenetic location: 2p21.
Variant type: single nucleotide variant.
Coding change: c.186T>G on transcript NM_006887.5 (MANE Select); coding-DNA position 186, T replaced by G.
Protein change: p.His62Gln; replaces histidine 62 with glutamine.
Molecular consequence: missense variant.
Genome position (GRCh38, 1-based): chr2:43,225,618, A>C on the plus strand (T>G on the coding strand, the complement: ZFP36L2 is on the minus strand). VCF-style: chr2-43225618-A-C. GRCh37 (hg19) VCF-style: chr2-43452757-A-C.
Other names: short protein forms H62Q.
Identifiers: ClinVar variation 3045315 (VCV003045315.2), dbSNP rs201963284, ClinGen allele CA1631660.

ClinVar aggregate classification (germline): Benign (0 of 4 stars; one submission).

Conditions:
ZFP36L2-related disorder. Also called: ZFP36L2-related condition.

Allele frequency attached by ClinVar (database versions not stated): gnomAD 0.00072; 1000 Genomes Project 0.00200; 1000 Genomes Project 30x 0.00250.
gnomAD v4.1: 1,345 of 1,564,934 alleles (0.086%); highest among the groups gnomAD compares: East Asian, 1.9%; 14 homozygotes.

Submission:

PreventionGenetics, part of Exact Sciences
Classification: Benign for ZFP36L2-related condition. Last evaluated: 2020-07-17. Review status: no assertion criteria provided. Collection method: clinical testing. Allele origin: germline.
Comment: This variant is classified as benign based on ACMG/AMP sequence variant interpretation guidelines (Richards et al. 2015 PMID: 25741868, with internal and published modifications).